The following is an entry in ClinVar:

NM_000044.6(AR):c.2382G>C (p.Glu794Asp)

Gene: AR (androgen receptor; plus strand). Cytogenetic location: Xq12.
Variant type: single nucleotide variant.
Coding change: c.2382G>C on transcript NM_000044.6 (MANE Select); coding-DNA position 2382, G replaced by C.
Protein change: p.Glu794Asp; replaces glutamic acid 794 with aspartic acid.
Molecular consequence: missense variant.
Genome position (GRCh38, 1-based): chrX:67,721,896, G>C. VCF-style: chrX-67721896-G-C. GRCh37 (hg19) VCF-style: chrX-66941738-G-C.
Other names: c.786G>C, p.Glu262Asp (NM_001011645.3); short protein forms E794D, E262D.
Identifiers: ClinVar variation 4789966 (VCV004789966.1).

ClinVar aggregate classification (germline): Uncertain significance (1 of 4 stars; one submission).

Conditions:
Androgen resistance syndrome (AIS). Also called: ANDROGEN RECEPTOR DEFICIENCY; DIHYDROTESTOSTERONE RECEPTOR DEFICIENCY; TESTICULAR FEMINIZATION SYNDROME; DHTR DEFICIENCY; Androgen insensitivity syndrome; Androgen insensitivity. Identifiers: Orphanet 754, Orphanet 99429, MedGen C0039585, MONDO:0019154, OMIM 300068. Disease mechanism: loss of function.
Kennedy disease (SMAX1). Also called: SPINAL AND BULBAR MUSCULAR ATROPHY, X-LINKED 1; KENNEDY SPINAL AND BULBAR MUSCULAR ATROPHY; Spinal and Bulbar Muscular Atrophy. Identifiers: Orphanet 481, MedGen C1839259, MONDO:0010735, OMIM 313200.

gnomAD v4.1: 3 of 1,208,872 alleles (0.00025%); highest among the groups gnomAD compares: Non-Finnish European, 0.00034%; no homozygotes.

Submission:

Labcorp Genetics (formerly Invitae), Labcorp
Classification: Uncertain significance for Kennedy disease; Androgen resistance syndrome. Last evaluated: 2025-03-11. Review status: criteria provided, single submitter. Criteria: Invitae Variant Classification Sherloc (09022015). Collection method: clinical testing. Allele origin: germline.
Comment: This sequence change replaces glutamic acid, which is acidic and polar, with aspartic acid, which is acidic and polar, at codon 794 of the AR protein (p.Glu794Asp). This variant is not present in population databases (gnomAD no frequency). This missense change has been observed in individual(s) with AR-related conditions (PMID: 1458719). This variant is also known as E792D. Invitae Evidence Modeling of protein sequence and biophysical properties (such as structural, functional, and spatial information, amino acid conservation, physicochemical variation, residue mobility, and thermodynamic stability) has been performed for this missense variant. However, the output from this modeling did not meet the statistical confidence thresholds required to predict the impact of this variant on AR protein function. In summary, the available evidence is currently insufficient to determine the role of this variant in disease. Therefore, it has been classified as a Variant of Uncertain Significance.

Literature cited by the submitters: PubMed 1458719.